The following is an entry in ClinVar:

NM_001384140.1(PCDH15):c.4349A>C (p.Glu1450Ala)

Gene: PCDH15 (protocadherin related 15; minus strand). Cytogenetic location: 10q21.1.
Variant type: single nucleotide variant.
Coding change: c.4349A>C on transcript NM_001384140.1 (MANE Select); coding-DNA position 4349, A replaced by C.
Protein change: p.Glu1450Ala; replaces glutamic acid 1450 with alanine.
Molecular consequence: missense variant.
Genome position (GRCh38, 1-based): chr10:53,827,411, T>G on the plus strand (A>C on the coding strand, the complement: PCDH15 is on the minus strand). VCF-style: chr10-53827411-T-G. GRCh37 (hg19) VCF-style: chr10-55587171-T-G.
Other names: c.4349A>C, p.Glu1450Ala (NM_001354429.2, NM_033056.4, NM_001142764.2 and 3 more transcripts); c.4364A>C, p.Glu1455Ala (NM_001142763.2, NM_001142771.2); c.4136A>C, p.Glu1379Ala (NM_001142765.2); c.4340A>C, p.Glu1447Ala (NM_001142766.2); c.4229A>C, p.Glu1410Ala (NM_001142767.2); c.4283A>C, p.Glu1428Ala (NM_001142768.2, NM_001354404.2); c.4385A>C, p.Glu1462Ala (NM_001142769.4); c.4274A>C, p.Glu1425Ala (NM_001142773.2); and 1 more; short protein forms E1425A, E1447A, E1455A, E1457A, E1462A, E1428A, E1450A, E1379A.
Identifiers: ClinVar variation 1377819 (VCV001377819.4), dbSNP rs1468837125, ClinGen allele CA376527591.

ClinVar aggregate classification (germline): Uncertain significance. Review status: criteria provided, multiple submitters, no conflicts (2 of 4 stars). 2 submissions from 2 submitters: Uncertain significance (2). Last evaluated 2025-04-17.

Conditions:
Inborn genetic diseases. Identifiers: MedGen C0950123, MeSH D030342.

Allele frequency attached by ClinVar (database versions not stated): gnomAD exomes below 0.00001; gnomAD 0.00003; TOPMed 0.00005.
gnomAD v4.1: 12 of 1,612,738 alleles (0.00074%); highest among the groups gnomAD compares: African/African-American, 0.012%; no homozygotes.

Submissions (2):

Ambry Genetics
Classification: Uncertain significance for Inborn genetic diseases. Last evaluated: 2025-04-17. Review status: criteria provided, single submitter. Criteria: Ambry Variant Classification Scheme 2023. Collection method: clinical testing. Allele origin: germline.

Labcorp Genetics (formerly Invitae), Labcorp
Classification: Uncertain significance. Last evaluated: 2022-03-09. Review status: criteria provided, single submitter. Criteria: Invitae Variant Classification Sherloc (09022015). Collection method: clinical testing. Allele origin: germline.
Comment: This sequence change replaces glutamic acid, which is acidic and polar, with alanine, which is neutral and non-polar, at codon 1450 of the PCDH15 protein (p.Glu1450Ala). This variant is present in population databases (no rsID available, gnomAD 0.003%). This variant has not been reported in the literature in individuals affected with PCDH15-related conditions. Algorithms developed to predict the effect of missense changes on protein structure and function are either unavailable or do not agree on the potential impact of this missense change (SIFT: "Deleterious"; PolyPhen-2: "Possibly Damaging"; Align-GVGD: "Class C0"). In summary, the available evidence is currently insufficient to determine the role of this variant in disease. Therefore, it has been classified as a Variant of Uncertain Significance.